The following is an entry in ClinVar:

ClinVar aggregate classification (germline): Pathogenic. Review status: criteria provided, multiple submitters, no conflicts (2 of 4 stars). 2 submissions from 2 submitters: Pathogenic (2). Last evaluated 2022-09-01.

Conditions:
Cernunnos-XLF deficiency (IMD124). Also called: Severe combined immunodeficiency with sensitivity to ionizing radiation due to NHEJ1 deficiency; SCID, autosomal recessive, T cell-negative, B cell-negative, NK cell-positive, and sensitivity to ionizing radiation due to NHEJ1 deficiency; IMMUNODEFICIENCY 124, SEVERE COMBINED; SCID, AUTOSOMAL RECESSIVE, T CELL-NEGATIVE, B CELL-NEGATIVE, NK CELL-POSITIVE, WITH MICROCEPHALY, GROWTH RETARDATION, AND SENSITIVITY TO IONIZING RADIATION; NHEJ1 SYNDROME. Identifiers: Orphanet 169079, MedGen C1969799, MONDO:0012650, OMIM 611291.

Submissions (2):

3billion
Classification: Pathogenic for Cernunnos-XLF deficiency. Last evaluated: 2022-09-01. Review status: criteria provided, single submitter. Criteria: ACMG Guidelines, 2015. Collection method: clinical testing. Allele origin: germline. Affected: yes. Observed: 1 heterozygote.
Comment: The variant is not observed in the gnomAD v2.1.1 dataset. Canonical splice site is predicted to alter splicing and result in a loss or disruption of normal protein function. Multiple pathogenic loss-of-function variants are reported downstream of the variant. The variant has been reported to be associated with NHEJ1-related disorder (ClinVar ID: VCV000419273 / 3billion dataset). Therefore, this variant is classified as Pathogenic according to the recommendation of ACMG/AMP guideline.

GeneDx
Classification: Pathogenic. Last evaluated: 2017-07-10. Review status: criteria provided, single submitter. Criteria: GeneDx Variant Classification (06012015). Collection method: clinical testing. Allele origin: germline. Affected: yes.
Comment: The c.530-2A>T variant in the NHEJ1 gene has not been reported previously as a pathogenic variant nor as a benign polymorphism, to our knowledge. This splice site variant destroys the canonical splice acceptor site in intron 4. It is predicted to cause abnormal gene splicing, either leading to an abnormal message that is subject to nonsense-mediated mRNA decay, or to an abnormal protein product ifthe message is used for protein translation. The c.530-2A>T variant was not observed in approximately6500 individuals of European and African American ancestry in the NHLBI Exome Sequencing Project,indicating it is not a common benign variant in these populations. We interpret c.530-2A>T as a pathogenic variant.

NM_024782.3(NHEJ1):c.530-2A>T

Gene: NHEJ1 (non-homologous end joining factor 1; minus strand). Cytogenetic location: 2q35.
Variant type: single nucleotide variant.
Coding change: c.530-2A>T on transcript NM_024782.3 (MANE Select); the canonical splice acceptor site of the intron before coding-DNA position 530, A replaced by T.
Molecular consequence: splice acceptor variant.
Genome position (GRCh38, 1-based): chr2:219,146,740, T>A on the plus strand (A>T on the coding strand, the complement: NHEJ1 is on the minus strand). VCF-style: chr2-219146740-T-A. GRCh37 (hg19) VCF-style: chr2-220011462-T-A.
Other names: c.530-2A>T (NM_001377499.1, NM_001377498.1).
Identifiers: ClinVar variation 419273 (VCV000419273.3), dbSNP rs1064793763, ClinGen allele CA16617472.